The following is an entry in ClinVar:

ClinVar aggregate classification (germline): Uncertain significance. Review status: criteria provided, multiple submitters, no conflicts (2 of 4 stars). 2 submissions from 2 submitters: Uncertain significance (2). Last evaluated 2024-02-22.

Conditions:
Charcot-Marie-Tooth disease type 2. Also called: Charcot-Marie-Tooth type 2. Identifiers: Orphanet 64746, MedGen C0270914, MONDO:0018993.

Submissions (2):

Ambry Genetics
Classification: Uncertain significance. Last evaluated: 2024-02-22. Review status: criteria provided, single submitter. Criteria: Ambry Variant Classification Scheme 2023. Collection method: clinical testing. Allele origin: germline.
Comment: The p.P591A variant (also known as c.1771C>G), located in coding exon 18 of the KIF1B gene, results from a C to G substitution at nucleotide position 1771. The proline at codon 591 is replaced by alanine, an amino acid with highly similar properties. This amino acid position is conserved. In addition, this alteration is predicted to be deleterious by in silico analysis. Based on the available evidence, the clinical significance of this alteration remains unclear.

Labcorp Genetics (formerly Invitae), Labcorp
Classification: Uncertain significance for Charcot-Marie-Tooth disease type 2. Last evaluated: 2023-03-01. Review status: criteria provided, single submitter. Criteria: Invitae Variant Classification Sherloc (09022015). Collection method: clinical testing. Allele origin: germline.
Comment: In summary, the available evidence is currently insufficient to determine the role of this variant in disease. Therefore, it has been classified as a Variant of Uncertain Significance. Advanced modeling of protein sequence and biophysical properties (such as structural, functional, and spatial information, amino acid conservation, physicochemical variation, residue mobility, and thermodynamic stability) performed at Invitae indicates that this missense variant is expected to disrupt KIF1B protein function. This sequence change replaces proline, which is neutral and non-polar, with alanine, which is neutral and non-polar, at codon 591 of the KIF1B protein (p.Pro591Ala). This variant is not present in population databases (gnomAD no frequency). This variant has not been reported in the literature in individuals affected with KIF1B-related conditions.

NM_001365951.3(KIF1B):c.1909C>G (p.Pro637Ala)

Gene: KIF1B (kinesin family member 1B; plus strand). Cytogenetic location: 1p36.22.
Variant type: single nucleotide variant.
Coding change: c.1909C>G on transcript NM_001365951.3 (MANE Select); coding-DNA position 1909, C replaced by G.
Protein change: p.Pro637Ala; replaces proline 637 with alanine.
Molecular consequence: missense variant.
Genome position (GRCh38, 1-based): chr1:10,296,944, C>G. VCF-style: chr1-10296944-C-G. GRCh37 (hg19) VCF-style: chr1-10357002-C-G.
Other names: c.1909C>G, p.Pro637Ala (NM_001365952.1); c.1771C>G, p.Pro591Ala (NM_001365953.1, NM_015074.3, NM_183416.4); short protein forms P591A, P637A.
Identifiers: ClinVar variation 3000601 (VCV003000601.4), dbSNP rs2521401878, ClinGen allele CA338316740.